The following is an entry in ClinVar:

NM_002047.4(GARS1):c.222+5C>T

Gene: GARS1 (glycyl-tRNA synthetase 1; plus strand). Cytogenetic location: 7p14.3.
Variant type: single nucleotide variant.
Coding change: c.222+5C>T on transcript NM_002047.4 (MANE Select); 5 bases into the intron after coding-DNA position 222, C replaced by T.
Molecular consequence: intron variant.
Genome position (GRCh38, 1-based): chr7:30,595,148, C>T. VCF-style: chr7-30595148-C-T. GRCh37 (hg19) VCF-style: chr7-30634764-C-T.
Other names: c.222+5C>T (LRG_243t1); c.60+5C>T (NM_001316772.1).
Identifiers: ClinVar variation 137439 (VCV000137439.25), dbSNP rs2072236, ClinGen allele CA291023.
Genomic context (GRCh38, chr7:30,595,148, plus strand): 5'-ACGGCGCGGGGGCTGAGGAGGTGCTGGCACCTCTGAGGCTAGCAGTGCGCCAGCAGGTAC[C>T]GGTGTTTTGCGCTCTCCGCTAAGCCTCCGGCTCTCCTCCCAGGGCCTTCTTCTGGTCATC-3'

ClinVar aggregate classification (germline): Benign. Review status: criteria provided, multiple submitters, no conflicts (2 of 4 stars). 11 submissions from 9 submitters: Benign (8). 3 of the submissions do not count toward it. Last evaluated 2026-02-03.

Conditions:
Distal spinal muscular atrophy. Also called: Distal hereditary motor neuropathy; Distal hereditary motor neuronopathy. Identifiers: Orphanet 53739, MedGen C0393541, MONDO:0018894.
Charcot-Marie-Tooth disease type 2. Also called: Charcot-Marie-Tooth type 2. Identifiers: Orphanet 64746, MedGen C0270914, MONDO:0018993.
Charcot-Marie-Tooth disease. Also called: Charcot-Marie-Tooth Neuropathy; Charcot-Marie-Tooth Hereditary Neuropathy. Identifiers: Orphanet 166, MedGen C0007959, MONDO:0015626.
Charcot-Marie-Tooth disease type 2D (CMT2D). Also called: CHARCOT-MARIE-TOOTH DISEASE, AXONAL, TYPE 2D; GARS1 Adolescent- or Early Adult-Onset Hereditary Motor/Sensory Neuropathy (GARS1-HMSN); Charcot-Marie-Tooth Neuropathy Type 2D; CHARCOT-MARIE-TOOTH DISEASE, NEURONAL, TYPE 2D. Identifiers: Orphanet 99938, MedGen C1832274, MONDO:0011091, OMIM 601472.
Neuronopathy, distal hereditary motor, type 5A (HMND5). Also called: DHMN VA; Distal Spinal Muscular Atrophy V; Distal Spinal Muscular Atrophy V (dSMA-V); NEURONOPATHY, DISTAL HEREDITARY MOTOR, AUTOSOMAL DOMINANT 5. Identifiers: Orphanet 139536, MedGen CN031873, MONDO:0015353, OMIM 600794.

Allele frequency attached by ClinVar (database versions not stated): ESP Exome Variant Server 0.08009; gnomAD 0.09556; TOPMed 0.10588; gnomAD exomes 0.11266; 1000 Genomes Project 0.14077; 1000 Genomes Project 30x 0.14163; ExAC 0.14827.
gnomAD v4.1: 151,136 of 1,535,676 alleles (9.8%); highest among the groups gnomAD compares: East Asian, 19%; 8,528 homozygotes.

Submissions (11):

Labcorp Genetics (formerly Invitae), Labcorp
Classification: Benign for Charcot-Marie-Tooth disease type 2. Last evaluated: 2026-02-03. Review status: criteria provided, single submitter. Criteria: Invitae Variant Classification Sherloc (09022015). Collection method: clinical testing. Allele origin: germline.

Athena Diagnostics
Classification: Benign. Last evaluated: 2021-04-28. Review status: criteria provided, single submitter. Criteria: Athena Diagnostics Criteria. Collection method: clinical testing. Allele origin: unknown.

Illumina Laboratory Services, Illumina
Classification: Benign for Distal hereditary motor neuronopathy type 5. Last evaluated: 2018-01-13. Review status: criteria provided, single submitter. Criteria: ICSL Variant Classification Criteria 13 December 2019. Collection method: clinical testing. Allele origin: germline.
Comment: This variant was observed in the ICSL laboratory as part of a predisposition screen in an ostensibly healthy population. It had not been previously curated by ICSL or reported in the Human Gene Mutation Database (HGMD: prior to June 1st, 2018), and was therefore a candidate for classification through an automated scoring system. Utilizing variant allele frequency, disease prevalence and penetrance estimates, and inheritance mode, an automated score was calculated to assess if this variant is too frequent to cause the disease. Based on the score and internal cut-off values, a variant classified as benign is not then subjected to further curation. The score for this variant resulted in a classification of benign for this disease.

Illumina Laboratory Services, Illumina
Classification: Benign for Charcot-Marie-Tooth disease type 2D. Last evaluated: 2018-01-13. Review status: criteria provided, single submitter. Criteria: ICSL Variant Classification Criteria 13 December 2019. Collection method: clinical testing. Allele origin: germline.
Comment: the same text as in the submission from Illumina Laboratory Services, Illumina above.

Illumina Laboratory Services, Illumina
Classification: Benign for Distal Spinal Muscular Atrophy. Last evaluated: 2018-01-13. Review status: criteria provided, single submitter. Criteria: ICSL Variant Classification Criteria 13 December 2019. Collection method: clinical testing. Allele origin: germline.
Comment: the same text as in the submission from Illumina Laboratory Services, Illumina above.

GeneDx
Classification: Benign. Last evaluated: 2014-04-09. Review status: criteria provided, single submitter. Criteria: GeneDx Variant Classification (06012015). Collection method: clinical testing. Allele origin: germline. Affected: yes.
Comment: This variant is considered likely benign or benign based on one or more of the following criteria: it is a conservative change, it occurs at a poorly conserved position in the protein, it is predicted to be benign by multiple in silico algorithms, and/or has population frequency not consistent with disease.

Molecular Genetics Laboratory, London Health Sciences Centre
Classification: Benign for Charcot-Marie-Tooth disease. Review status: criteria provided, single submitter. Criteria: ACMG Guidelines, 2015. Collection method: clinical testing. Allele origin: germline. Affected: yes.

PreventionGenetics, part of Exact Sciences
Classification: Benign. Review status: criteria provided, single submitter. Criteria: ACMG Guidelines, 2015. Collection method: clinical testing. Allele origin: germline.

Mayo Clinic Laboratories, Mayo Clinic
Classification: Benign. Last evaluated: 2016-02-15. Review status: no assertion criteria provided. Collection method: clinical testing. Allele origin: unknown. Not counted in ClinVar's aggregate classification.

Clinical Genetics, Academic Medical Center
Classification: Benign. Review status: no assertion criteria provided. Collection method: clinical testing. Allele origin: germline. Affected: yes. Study: VKGL Data-share Consensus. Not counted in ClinVar's aggregate classification.

Joint Genome Diagnostic Labs from Nijmegen and Maastricht, Radboudumc and MUMC+
Classification: Benign. Review status: no assertion criteria provided. Collection method: clinical testing. Allele origin: germline. Affected: yes. Study: VKGL Data-share Consensus. Not counted in ClinVar's aggregate classification.